The following is an entry in ClinVar:

ClinVar aggregate classification (germline): Uncertain significance (1 of 4 stars; one submission).

Conditions:
Long QT syndrome (LQTS). Identifiers: MedGen C0023976, MeSH D008133, MONDO:0002442. Disease mechanism: loss of function. Inheritance: Various modes of inheritance.

Submission:

Labcorp Genetics (formerly Invitae), Labcorp
Classification: Uncertain significance for Long QT syndrome. Last evaluated: 2022-08-23. Review status: criteria provided, single submitter. Criteria: Invitae Variant Classification Sherloc (09022015). Collection method: clinical testing. Allele origin: germline.
Comment: Algorithms developed to predict the effect of missense changes on protein structure and function (SIFT, PolyPhen-2, Align-GVGD) all suggest that this variant is likely to be tolerated. In summary, the available evidence is currently insufficient to determine the role of this variant in disease. Therefore, it has been classified as a Variant of Uncertain Significance. This variant has not been reported in the literature in individuals affected with ANK2-related conditions. This sequence change replaces methionine, which is neutral and non-polar, with lysine, which is basic and polar, at codon 2722 of the ANK2 protein (p.Met2722Lys). This variant is not present in population databases (gnomAD no frequency).

NM_001148.6(ANK2):c.8165T>A (p.Met2722Lys)

Gene: ANK2 (ankyrin 2; plus strand). Cytogenetic location: 4q26.
Variant type: single nucleotide variant.
Coding change: c.8165T>A on transcript NM_001148.6 (MANE Select); coding-DNA position 8165, T replaced by A.
Protein change: p.Met2722Lys; replaces methionine 2722 with lysine.
Molecular consequence: missense variant. On other transcripts: intron variant (68).
Genome position (GRCh38, 1-based): chr4:113,356,783, T>A. VCF-style: chr4-113356783-T-A. GRCh37 (hg19) VCF-style: chr4-114277939-T-A.
Other names: c.7931T>A, p.Met2644Lys (NM_001386142.1); c.4565T>A, p.Met1522Lys (NM_001386166.1); c.8306T>A, p.Met2769Lys (NM_001386174.1); c.8282T>A, p.Met2761Lys (NM_001386175.1); c.4412-4040T>A (NM_001386186.2, NM_001386148.2); c.4214-4040T>A (NM_001354269.3); c.4292-4040T>A (NM_001386187.2); c.4253-4040T>A (NM_001386147.1); and 35 more; short protein forms M1522K, M2644K, M2722K, M2761K, M2769K.
Identifiers: ClinVar variation 1717179 (VCV001717179.5), dbSNP rs368002728, ClinGen allele CA357933244.